The following is an entry in ClinVar:

ClinVar aggregate classification (germline): Uncertain significance (1 of 4 stars; one submission).

Conditions:
Inborn genetic diseases. Identifiers: MedGen C0950123, MeSH D030342.

Submission:

Ambry Genetics
Classification: Uncertain significance for Inborn genetic diseases. Last evaluated: 2026-07-07. Review status: criteria provided, single submitter. Criteria: Ambry Variant Classification Scheme 2023. Collection method: clinical testing. Allele origin: germline.
Comment: The p.M310T variant (also known as c.929T>C), located in coding exon 7 of the RUNX1 gene, results from a T to C substitution at nucleotide position 929. The methionine at codon 310 is replaced by threonine, an amino acid with similar properties. This amino acid position is conserved. In addition, this alteration is predicted to be tolerated by in silico analysis. Based on the available evidence, the clinical significance of this variant remains unclear.

NM_001754.5(RUNX1):c.929T>C (p.Met310Thr)

Gene: RUNX1 (RUNX family transcription factor 1; minus strand). Cytogenetic location: 21q22.12.
Variant type: single nucleotide variant.
Coding change: c.929T>C on transcript NM_001754.5 (MANE Select); coding-DNA position 929, T replaced by C.
Protein change: p.Met310Thr; replaces methionine 310 with threonine.
Molecular consequence: missense variant.
Genome position (GRCh38, 1-based): chr21:34,799,339, A>G on the plus strand (T>C on the coding strand, the complement: RUNX1 is on the minus strand). VCF-style: chr21-34799339-A-G. GRCh37 (hg19) VCF-style: chr21-36171636-A-G.
Other names: c.848T>C, p.Met283Thr (NM_001001890.3); short protein forms M310T, M283T.
Identifiers: ClinVar variation 4158236 (VCV004158236.2).